The following is an entry in ClinVar:

ClinVar aggregate classification (germline): Uncertain significance (1 of 4 stars; one submission).

Conditions:
Aicardi-Goutieres syndrome 5. Identifiers: Orphanet 51, MedGen C2749659, MONDO:0013059, OMIM 612952.

Allele frequency attached by ClinVar (database versions not stated): gnomAD exomes below 0.00001.
gnomAD v4.1: 1 of 1,613,162 alleles (0.000062%); highest among the groups gnomAD compares: Non-Finnish European, 0.000085%; no homozygotes.

Submission:

Labcorp Genetics (formerly Invitae), Labcorp
Classification: Uncertain significance for Aicardi-Goutieres syndrome 5. Last evaluated: 2020-03-06. Review status: criteria provided, single submitter. Criteria: Invitae Variant Classification Sherloc (09022015). Collection method: clinical testing. Allele origin: germline.
Comment: In summary, the available evidence is currently insufficient to determine the role of this variant in disease. Therefore, it has been classified as a Variant of Uncertain Significance. Algorithms developed to predict the effect of missense changes on protein structure and function (SIFT, PolyPhen-2, Align-GVGD) all suggest that this variant is likely to be tolerated, but these predictions have not been confirmed by published functional studies and their clinical significance is uncertain. This variant has not been reported in the literature in individuals with SAMHD1-related conditions. This variant is not present in population databases (ExAC no frequency). This sequence change replaces glutamic acid with aspartic acid at codon 83 of the SAMHD1 protein (p.Glu83Asp). The glutamic acid residue is moderately conserved and there is a small physicochemical difference between glutamic acid and aspartic acid.

NM_015474.4(SAMHD1):c.249G>T (p.Glu83Asp)

Gene: SAMHD1 (SAM and HD domain containing deoxynucleoside triphosphate triphosphohydrolase 1; minus strand). Cytogenetic location: 20q11.23.
Variant type: single nucleotide variant.
Coding change: c.249G>T on transcript NM_015474.4 (MANE Select); coding-DNA position 249, G replaced by T.
Protein change: p.Glu83Asp; replaces glutamic acid 83 with aspartic acid.
Molecular consequence: missense variant.
Genome position (GRCh38, 1-based): chr20:36,946,764, C>A on the plus strand (G>T on the coding strand, the complement: SAMHD1 is on the minus strand). VCF-style: chr20-36946764-C-A. GRCh37 (hg19) VCF-style: chr20-35575167-C-A.
Other names: c.249G>T, p.Glu83Asp (NM_001363729.2, NM_001363733.2); short protein forms E83D.
Identifiers: ClinVar variation 838234 (VCV000838234.9), dbSNP rs2063689102, ClinGen allele CA408830572.